The following is an entry in ClinVar:

NM_020381.4(PDSS2):c.915C>T (p.Thr305=)

Gene: PDSS2 (decaprenyl diphosphate synthase subunit 2; minus strand). Cytogenetic location: 6q21.
Variant type: single nucleotide variant.
Coding change: c.915C>T on transcript NM_020381.4 (MANE Select); coding-DNA position 915, C replaced by T.
Protein change: p.Thr305=; no amino-acid change (threonine 305 retained).
Molecular consequence: synonymous variant.
Genome position (GRCh38, 1-based): chr6:107,210,532, G>A on the plus strand (C>T on the coding strand, the complement: PDSS2 is on the minus strand). VCF-style: chr6-107210532-G-A. GRCh37 (hg19) VCF-style: chr6-107531736-G-A.
Identifiers: ClinVar variation 382475 (VCV000382475.1), dbSNP rs1057521366, ClinGen allele CA16605002.

ClinVar aggregate classification (germline): Likely benign (1 of 4 stars; one submission).

Submission:

GeneDx
Classification: Likely benign. Last evaluated: 2016-01-29. Review status: criteria provided, single submitter. Criteria: GeneDx Variant Classification (06012015). Collection method: clinical testing. Allele origin: germline. Affected: yes.
Comment: This variant is considered likely benign or benign based on one or more of the following criteria: it is a conservative change, it occurs at a poorly conserved position in the protein, it is predicted to be benign by multiple in silico algorithms, and/or has population frequency not consistent with disease.